The following is an entry in ClinVar:

ClinVar aggregate classification (germline): Likely benign. Review status: criteria provided, multiple submitters, no conflicts (2 of 4 stars). 3 submissions from 3 submitters: Likely benign (3). Last evaluated 2025-11-01.

Conditions:
Nephrolithiasis, calcium oxalate. Also called: Calcium oxalate urolithiasis. Identifiers: MedGen C1833683, MONDO:0957318, HP:0008672.

Allele frequency attached by ClinVar (database versions not stated): gnomAD 0.00013; gnomAD exomes 0.00013; ESP Exome Variant Server 0.00016; ExAC 0.00019.
gnomAD v4.1: 165 of 1,569,192 alleles (0.011%); highest among the groups gnomAD compares: Admixed American, 0.026%; no homozygotes.

Submissions (3):

CeGaT Center for Human Genetics Tuebingen
Classification: Likely benign. Last evaluated: 2025-11-01. Review status: criteria provided, single submitter. Criteria: CeGaT Center For Human Genetics Tuebingen Variant Classification Criteria Version 2. Collection method: clinical testing. Allele origin: germline. Affected: yes. Observed: 1 variant allele.
Comment: SLC26A1: BP4, BP7

Labcorp Genetics (formerly Invitae), Labcorp
Classification: Likely benign. Last evaluated: 2025-08-04. Review status: criteria provided, single submitter. Criteria: Invitae Variant Classification Sherloc (09022015). Collection method: clinical testing. Allele origin: germline.

Fulgent Genetics
Classification: Likely benign for Nephrolithiasis susceptibility caused by SLC26A1. Last evaluated: 2022-04-22. Review status: criteria provided, single submitter. Criteria: ACMG Guidelines, 2015. Collection method: clinical testing. Allele origin: unknown.

NM_022042.4(SLC26A1):c.1152C>T (p.Asn384=)

Genes: IDUA (alpha-L-iduronidase; plus strand), SLC26A1 (solute carrier family 26 member 1; minus strand). Cytogenetic location: 4p16.3.
Variant type: single nucleotide variant.
Coding change: c.1152C>T on transcript NM_022042.4 (MANE Select); coding-DNA position 1152, C replaced by T.
Protein change: p.Asn384=; no amino-acid change (asparagine 384 retained).
Molecular consequence: synonymous variant. On other transcripts: intron variant (2).
Genome position (GRCh38, 1-based): chr4:989,787, G>A on the plus strand (C>T on the coding strand, the complement: SLC26A1 is on the minus strand). VCF-style: chr4-989787-G-A. GRCh37 (hg19) VCF-style: chr4-983575-G-A.
Other names: c.1152C>T, p.Asn384= (NM_213613.4); c.576+1341C>T (NM_134425.4); c.299+1838G>A (NM_000203.5).
Identifiers: ClinVar variation 1110197 (VCV001110197.16), dbSNP rs140876735, ClinGen allele CA2801453.